The following is an entry in ClinVar:

ClinVar aggregate classification (germline): Uncertain significance. Review status: criteria provided, single submitter (1 of 4 stars). 2 submissions from 2 submitters: Uncertain significance (1). 1 of the submissions does not count toward it. Last evaluated 2025-05-14.

Conditions:
NRP2-related disorder. Also called: NRP2-related condition.

gnomAD v4.1: 26 of 1,614,034 alleles (0.0016%); highest among the groups gnomAD compares: Admixed American, 0.04%; no homozygotes.

Submissions (2):

Ambry Genetics
Classification: Uncertain significance. Last evaluated: 2025-05-14. Review status: criteria provided, single submitter. Criteria: Ambry Variant Classification Scheme 2023. Collection method: clinical testing. Allele origin: germline.

PreventionGenetics, part of Exact Sciences
Classification: Uncertain significance for NRP2-related condition. Last evaluated: 2024-04-30. Review status: no assertion criteria provided. Collection method: clinical testing. Allele origin: germline. Not counted in ClinVar's aggregate classification.
Comment: The NRP2 c.835G>A variant is predicted to result in the amino acid substitution p.Val279Ile. To our knowledge, this variant has not been reported in the literature. This variant is reported in 0.059% of alleles in individuals of Latino descent in gnomAD, which may be too common to be a primary cause of disease. Although we suspect that this variant may be benign, at this time, the clinical significance of this variant is uncertain due to the absence of conclusive functional and genetic evidence.

NM_003872.3(NRP2):c.835G>A (p.Val279Ile)

Gene: NRP2 (neuropilin 2; plus strand). Cytogenetic location: 2q33.3.
Variant type: single nucleotide variant.
Coding change: c.835G>A on transcript NM_003872.3 (MANE Select); coding-DNA position 835, G replaced by A.
Protein change: p.Val279Ile; replaces valine 279 with isoleucine.
Molecular consequence: missense variant.
Genome position (GRCh38, 1-based): chr2:205,725,927, G>A. VCF-style: chr2-205725927-G-A. GRCh37 (hg19) VCF-style: chr2-206590651-G-A.
Other names: c.835G>A, p.Val279Ile (NM_018534.4, NM_201264.2, NM_201266.2 and 2 more transcripts); short protein forms V279I.
Identifiers: ClinVar variation 3350841 (VCV003350841.2).